The following is an entry in ClinVar:

NM_004958.4(MTOR):c.5110_5111del (p.Met1704fs)

Gene: MTOR (mechanistic target of rapamycin kinase; minus strand). Cytogenetic location: 1p36.22.
Variant type: Deletion.
Coding change: c.5110_5111del on transcript NM_004958.4 (MANE Select); coding-DNA positions 5110 to 5111, 2 bases deleted (AT; older notation c.5110_5111delAT).
Protein change: p.Met1704fs; shifts the reading frame from methionine 1704.
Molecular consequence: frameshift variant.
Genome position (GRCh38, 1-based): chr1:11,139,323-11,139,324, AT deleted on the plus strand (AT on the coding strand, the reverse complement: MTOR is on the minus strand). VCF-style (leftmost placement, unchanged base first): chr1-11139322-CAT-C. GRCh37 (hg19) VCF-style: chr1-11199379-CAT-C.
Other names: c.5110_5111del, p.Met1704fs (NM_001386500.1); c.3862_3863del, p.Met1288fs (NM_001386501.1); c.5110_5111delAT, p.Met1704Valfs (NM_004958.3); short protein forms M1288fs, M1704fs.
Identifiers: ClinVar variation 3361409 (VCV003361409.1).
Genomic context (GRCh38, chr1:11,139,322, plus strand): 5'-TCTGGAGAAGGTGGTCTGTTCTGGATGCATTGGGATACAGACCTTGCGGGCACTCTTCCA[CAT>C]GTTTTTCATGTAGGCATAGGTCACCTGAGGGTGAACTGTTGGCAGAGGATGGTCAAGTTG-3'

ClinVar aggregate classification (germline): Uncertain significance (1 of 4 stars; one submission).

Submission:

GeneDx
Classification: Uncertain significance. Last evaluated: 2023-07-28. Review status: criteria provided, single submitter. Criteria: GeneDx Variant Classification Process June 2021. Collection method: clinical testing. Allele origin: germline. Affected: yes.
Comment: Not observed at significant frequency in large population cohorts (gnomAD); Frameshift variant predicted to result in protein truncation or nonsense mediated decay in a gene or region of a gene for which loss of function is not a well-established mechanism of disease; Has not been previously published as pathogenic or benign to our knowledge